The following is an entry in ClinVar:

ClinVar aggregate classification (germline): Uncertain significance. Review status: criteria provided, multiple submitters, no conflicts (2 of 4 stars). 2 submissions from 2 submitters: Uncertain significance (2). Last evaluated 2025-08-03.

Allele frequency attached by ClinVar (database versions not stated): TOPMed below 0.00001.

Submissions (2):

Labcorp Genetics (formerly Invitae), Labcorp
Classification: Uncertain significance. Last evaluated: 2025-08-03. Review status: criteria provided, single submitter. Criteria: Invitae Variant Classification Sherloc (09022015). Collection method: clinical testing. Allele origin: germline.
Comment: This sequence change replaces serine, which is neutral and polar, with cysteine, which is neutral and slightly polar, at codon 1151 of the ASXL1 protein (p.Ser1151Cys). This variant is not present in population databases (gnomAD no frequency). This variant has not been reported in the literature in individuals affected with ASXL1-related conditions. ClinVar contains an entry for this variant (Variation ID: 1318724). An algorithm developed to predict the effect of missense changes on protein structure and function outputs the following: PolyPhen-2: "Benign". The cysteine amino acid residue is found in multiple mammalian species, which suggests that this missense change does not adversely affect protein function. In summary, the available evidence is currently insufficient to determine the role of this variant in disease. Therefore, it has been classified as a Variant of Uncertain Significance.

GeneDx
Classification: Uncertain significance. Last evaluated: 2019-10-16. Review status: criteria provided, single submitter. Criteria: GeneDx Variant Classification Process June 2021. Collection method: clinical testing. Allele origin: germline. Affected: yes.
Comment: Not observed in large population cohorts (Lek et al., 2016); In silico analysis, which includes protein predictors and evolutionary conservation, supports that this variant does not alter protein structure/function; Has not been previously published as pathogenic or benign to our knowledge

NM_015338.6(ASXL1):c.3452C>G (p.Ser1151Cys)

Gene: ASXL1 (ASXL transcriptional regulator 1; plus strand). Cytogenetic location: 20q11.21.
Variant type: single nucleotide variant.
Coding change: c.3452C>G on transcript NM_015338.6 (MANE Select); coding-DNA position 3452, C replaced by G.
Protein change: p.Ser1151Cys; replaces serine 1151 with cysteine.
Molecular consequence: missense variant.
Genome position (GRCh38, 1-based): chr20:32,436,164, C>G. VCF-style: chr20-32436164-C-G. GRCh37 (hg19) VCF-style: chr20-31023967-C-G.
Other names: c.3269C>G, p.Ser1090Cys (NM_001363734.1); short protein forms S1090C, S1151C.
Identifiers: ClinVar variation 1318724 (VCV001318724.5), dbSNP rs2011850783, ClinGen allele CA408563087.